The following is an entry in ClinVar:

NM_000179.3(MSH6):c.1632A>C (p.Glu544Asp)

Gene: MSH6 (mutS homolog 6; plus strand). Cytogenetic location: 2p16.3.
Variant type: single nucleotide variant.
Coding change: c.1632A>C on transcript NM_000179.3 (MANE Select); coding-DNA position 1632, A replaced by C.
Protein change: p.Glu544Asp; replaces glutamic acid 544 with aspartic acid.
Molecular consequence: missense variant.
Genome position (GRCh38, 1-based): chr2:47,799,615, A>C. VCF-style: chr2-47799615-A-C. GRCh37 (hg19) VCF-style: chr2-48026754-A-C.
Other names: c.1242A>C, p.Glu414Asp (NM_001281492.2); c.726A>C, p.Glu242Asp (NM_001281493.2, NM_001281494.2); short protein forms E242D, E414D, E544D.
Identifiers: ClinVar variation 819713 (VCV000819713.13), dbSNP rs1296237769, ClinGen allele CA346747161.
Genomic context (GRCh38, chr2:47,799,615, plus strand): 5'-CAGTGTGCTGGAAGGTGATCCCTCTGAGAACTACAGTAAGTATCTTCTTAGCCTCAAAGA[A>C]AAAGAGGAAGATTCTTCTGGCCATACTCGTGCATATGGTGTGTGCTTTGTTGATACTTCA-3'
Protein context (NP_000170.1, residues 534-554): NYSKYLLSLK[Glu544Asp]KEEDSSGHTR

ClinVar aggregate classification (germline): Uncertain significance. Review status: criteria provided, multiple submitters, no conflicts (2 of 4 stars). 2 submissions from 2 submitters: Uncertain significance (2). Last evaluated 2021-02-13.

Conditions:
Hereditary nonpolyposis colorectal neoplasms. Identifiers: MedGen C0009405, MeSH D003123.
Hereditary cancer-predisposing syndrome. Also called: Neoplastic Syndromes, Hereditary; Tumor predisposition; Hereditary Cancer Syndrome; Hereditary neoplastic syndrome. Identifiers: Orphanet 140162, MedGen C0027672, MeSH D009386, MONDO:0015356.

Submissions (2):

Labcorp Genetics (formerly Invitae), Labcorp
Classification: Uncertain significance for Hereditary nonpolyposis colorectal neoplasms. Last evaluated: 2021-02-13. Review status: criteria provided, single submitter. Criteria: Invitae Variant Classification Sherloc (09022015). Collection method: clinical testing. Allele origin: germline.
Comment: Algorithms developed to predict the effect of missense changes on protein structure and function (SIFT, PolyPhen-2, Align-GVGD) all suggest that this variant is likely to be disruptive, but these predictions have not been confirmed by published functional studies and their clinical significance is uncertain. This sequence change replaces glutamic acid with aspartic acid at codon 544 of the MSH6 protein (p.Glu544Asp). The glutamic acid residue is highly conserved and there is a small physicochemical difference between glutamic acid and aspartic acid. This variant is not present in population databases (ExAC no frequency). This variant has not been reported in the literature in individuals with MSH6-related conditions. ClinVar contains an entry for this variant (Variation ID: 819713). In summary, the available evidence is currently insufficient to determine the role of this variant in disease. Therefore, it has been classified as a Variant of Uncertain Significance.

Ambry Genetics
Classification: Uncertain significance for Hereditary cancer-predisposing syndrome. Last evaluated: 2019-12-18. Review status: criteria provided, single submitter. Criteria: Ambry Variant Classification Scheme 2023. Collection method: clinical testing. Allele origin: germline.
Comment: The p.E544D variant (also known as c.1632A>C), located in coding exon 4 of the MSH6 gene, results from an A to C substitution at nucleotide position 1632. The glutamic acid at codon 544 is replaced by aspartic acid, an amino acid with highly similar properties. This amino acid position is highly conserved in available vertebrate species. In addition, the in silico prediction for this alteration is inconclusive. Since supporting evidence is limited at this time, the clinical significance of this alteration remains unclear.